The following is an entry in ClinVar:

ClinVar aggregate classification (germline): Uncertain significance (1 of 4 stars; one submission).

Allele frequency attached by ClinVar (database versions not stated): gnomAD exomes below 0.00001.
gnomAD v4.1: 2 of 1,614,218 alleles (0.00012%); highest among the groups gnomAD compares: Non-Finnish European, 0.00017%; no homozygotes.

Submission:

Labcorp Genetics (formerly Invitae), Labcorp
Classification: Uncertain significance. Last evaluated: 2022-08-02. Review status: criteria provided, single submitter. Criteria: Invitae Variant Classification Sherloc (09022015). Collection method: clinical testing. Allele origin: germline.
Comment: This sequence change replaces aspartic acid, which is acidic and polar, with glutamic acid, which is acidic and polar, at codon 761 of the ADNP protein (p.Asp761Glu). In summary, the available evidence is currently insufficient to determine the role of this variant in disease. Therefore, it has been classified as a Variant of Uncertain Significance. Algorithms developed to predict the effect of missense changes on protein structure and function are either unavailable or do not agree on the potential impact of this missense change (SIFT: "Not Available"; PolyPhen-2: "Benign"; Align-GVGD: "Not Available"). This variant has not been reported in the literature in individuals affected with ADNP-related conditions. This variant is not present in population databases (gnomAD no frequency).

NM_001282531.3(ADNP):c.2283T>G (p.Asp761Glu)

Gene: ADNP (activity dependent neuroprotector homeobox; minus strand). Cytogenetic location: 20q13.13.
Variant type: single nucleotide variant.
Coding change: c.2283T>G on transcript NM_001282531.3 (MANE Select); coding-DNA position 2283, T replaced by G.
Protein change: p.Asp761Glu; replaces aspartic acid 761 with glutamic acid.
Molecular consequence: missense variant.
Genome position (GRCh38, 1-based): chr20:50,892,431, A>C on the plus strand (T>G on the coding strand, the complement: ADNP is on the minus strand). VCF-style: chr20-50892431-A-C. GRCh37 (hg19) VCF-style: chr20-49508968-A-C.
Other names: c.2283T>G, p.Asp761Glu (NM_001282532.2, NM_001347511.2, NM_015339.5 and 1 more transcripts); short protein forms D761E.
Identifiers: ClinVar variation 2119656 (VCV002119656.4), dbSNP rs113776148, ClinGen allele CA315256913.
Genomic context (GRCh38, chr20:50,892,431, plus strand): 5'-GGGATAGGGCTGTTTGTTGAAATACTTTGTTAGAAAGCTTTTCCTGGCTTCATAGGAATC[A>C]TCTTCATGACCCTTGGGGTCTAAAGCTAAAACAACAGGCTCTTCAGGCTTCTCTTCAAAG-3'
Protein context (NP_001269460.1, residues 751-771): VLALDPKGHE[Asp761Glu]DSYEARKSFL